The following is an entry in ClinVar:

NM_000260.4(MYO7A):c.983T>C (p.Leu328Pro)

Gene: MYO7A (myosin VIIA; plus strand). Cytogenetic location: 11q13.5.
Variant type: single nucleotide variant.
Coding change: c.983T>C on transcript NM_000260.4 (MANE Select); coding-DNA position 983, T replaced by C.
Protein change: p.Leu328Pro; replaces leucine 328 with proline.
Molecular consequence: missense variant.
Genome position (GRCh38, 1-based): chr11:77,158,410, T>C. VCF-style: chr11-77158410-T-C. GRCh37 (hg19) VCF-style: chr11-76869456-T-C.
Other names: NM_000260.4(MYO7A):c.983T>C; p.Leu328Pro; c.983T>C, p.Leu328Pro (NM_001127180.2); c.950T>C, p.Leu317Pro (NM_001369365.1); short protein forms L317P, L328P.
Identifiers: ClinVar variation 1308583 (VCV001308583.4), dbSNP rs1281366817, ClinGen allele CA381933255.

ClinVar aggregate classification (germline): Uncertain significance. Review status: reviewed by expert panel (3 of 4 stars). 3 submissions from 3 submitters: Uncertain significance (1). 2 of the submissions do not count toward it. Last evaluated 2024-12-18.

Conditions:
Usher syndrome type 1B (USH1B). Also called: Usher syndrome type IB. Identifiers: MedGen C1848638, MONDO:0700087.
MYO7A-related disorder. Also called: MYO7A-related disorders.

Submissions (3):

ClinGen Hearing Loss Variant Curation Expert Panel
Classification: Uncertain significance for Usher syndrome type 1B. Last evaluated: 2024-12-18. Review status: reviewed by expert panel. Criteria: Clingen Hl Acmg Specifications Cdh23 Coch Gjb2 Kcnq4 Myo6 Myo7a Slc26a4 Tecta Ush2a V2. Collection method: curation. Allele origin: germline. Inheritance: Autosomal recessive inheritance.
Comment: The variant NM_000260.4:c.983T>C in MYO7A is a missense variant predicted to cause substitution of leucine by proline at amino acid 328 (p.Leu328Pro). The variant is absent from gnomAD v4.1.0 (PM2_Supporting). The proband also harbored a likely pathogenic variant NM_000260(MYO7A):c.471-2A>C, however the phase of the variants was not confirmed (0.5 PM3 points, PM3_Supporting; PMID: 32281467). The computational predictor REVEL gives a score of 0.877, which is above the threshold necessary to apply PP3 (PP3). There is a ClinVar entry for this variant (Variation ID: 1308583, one star review status), with one submitter classifying the variant as uncertain significance. In summary, this variant has been classified as a variant of uncertain significance for autosomal recessive Usher syndrome based on the ACMG/AMP criteria applied, as specified by the ClinGen Hearing Loss VCEP: PM2_Supporting, PP3, PP4, PM3_Supporting (ClinGen Hearing Loss VCEP specifications version 2; 12/18/2024).

Blueprint Genetics
Classification: Likely pathogenic for MYO7A-related disorders. Last evaluated: 2021-12-14. Review status: criteria provided, single submitter. Criteria: ACMG Guidelines, 2015. Collection method: clinical testing. Allele origin: germline. Affected: yes. Observed: 2 variant alleles. Not counted in ClinVar's aggregate classification.

GeneDx
Classification: Uncertain significance. Last evaluated: 2019-04-17. Review status: criteria provided, single submitter. Criteria: GeneDx Variant Classification Process June 2021. Collection method: clinical testing. Allele origin: germline. Affected: yes. Not counted in ClinVar's aggregate classification.
Comment: Not observed in large population cohorts (Lek et al., 2016); In silico analysis, which includes protein predictors and evolutionary conservation, supports a deleterious effect; Has not been previously published as pathogenic or benign to our knowledge